The following is an entry in ClinVar:

ClinVar aggregate classification (germline): Uncertain significance (1 of 4 stars; one submission).

Submission:

GeneDx
Classification: Uncertain significance. Last evaluated: 2024-06-20. Review status: criteria provided, single submitter. Criteria: GeneDx Variant Classification Process June 2021. Collection method: clinical testing. Allele origin: germline. Affected: yes.
Comment: Not observed at significant frequency in large population cohorts (gnomAD); In silico analysis supports that this missense variant has a deleterious effect on protein structure/function; Has not been previously published as pathogenic or benign to our knowledge; In silico analysis suggests this variant may impact gene splicing. In the absence of RNA/functional studies, the actual effect of this sequence change is unknown.

NM_170606.3(KMT2C):c.3526G>T (p.Gly1176Cys)

Gene: KMT2C (lysine methyltransferase 2C; minus strand). Cytogenetic location: 7q36.1.
Variant type: single nucleotide variant.
Coding change: c.3526G>T on transcript NM_170606.3 (MANE Select); coding-DNA position 3526, G replaced by T.
Protein change: p.Gly1176Cys; replaces glycine 1176 with cysteine.
Molecular consequence: missense variant.
Genome position (GRCh38, 1-based): chr7:152,220,709, C>A on the plus strand (G>T on the coding strand, the complement: KMT2C is on the minus strand). VCF-style: chr7-152220709-C-A. GRCh37 (hg19) VCF-style: chr7-151917794-C-A.
Other names: short protein forms G1176C.
Identifiers: ClinVar variation 3391638 (VCV003391638.1).
Genomic context (GRCh38, chr7:152,220,709, plus strand): 5'-TTGGAACTGTAACTGTGAGGCTCTGTAACTGAGTCATCCCTGATTCAGTCAAACACACAC[C>A]ATCCTGGGTATAAGTCTTGGGTGGGTCTAAAATTACAAAATCCCAAGGATACAAATTTAA-3'
Protein context (NP_733751.2, residues 1166-1186): LDPPKTYTQD[Gly1176Cys]VCLTESGMTQ